The following is an entry in ClinVar:

NM_000350.3(ABCA4):c.5032G>T (p.Val1678Leu)

Gene: ABCA4 (ATP binding cassette subfamily A member 4; minus strand). Cytogenetic location: 1p22.1.
Variant type: single nucleotide variant.
Coding change: c.5032G>T on transcript NM_000350.3 (MANE Select); coding-DNA position 5032, G replaced by T.
Protein change: p.Val1678Leu; replaces valine 1678 with leucine.
Molecular consequence: missense variant.
Genome position (GRCh38, 1-based): chr1:94,019,746, C>A on the plus strand (G>T on the coding strand, the complement: ABCA4 is on the minus strand). VCF-style: chr1-94019746-C-A. GRCh37 (hg19) VCF-style: chr1-94485302-C-A.
Other names: c.4810G>T, p.Val1604Leu (NM_001425324.1); short protein forms V1678L, V1604L.
Identifiers: ClinVar variation 1347278 (VCV001347278.6), dbSNP rs1659845637, ClinGen allele CA341282853.

ClinVar aggregate classification (germline): Uncertain significance (1 of 4 stars; one submission).

Submission:

Labcorp Genetics (formerly Invitae), Labcorp
Classification: Uncertain significance. Last evaluated: 2021-08-26. Review status: criteria provided, single submitter. Criteria: Invitae Variant Classification Sherloc (09022015). Collection method: clinical testing. Allele origin: germline.
Comment: This sequence change replaces valine with leucine at codon 1678 of the ABCA4 protein (p.Val1678Leu). The valine residue is highly conserved and there is a small physicochemical difference between valine and leucine. This variant is not present in population databases (ExAC no frequency). In summary, the available evidence is currently insufficient to determine the role of this variant in disease. Therefore, it has been classified as a Variant of Uncertain Significance. Algorithms developed to predict the effect of missense changes on protein structure and function (SIFT, PolyPhen-2, Align-GVGD) all suggest that this variant is likely to be tolerated. This variant has not been reported in the literature in individuals affected with ABCA4-related conditions.